The following is an entry in ClinVar:

NM_206933.4(USH2A):c.9089T>C (p.Ile3030Thr)

Gene: USH2A (usherin; minus strand). Cytogenetic location: 1q41.
Variant type: single nucleotide variant.
Coding change: c.9089T>C on transcript NM_206933.4 (MANE Select); coding-DNA position 9089, T replaced by C.
Protein change: p.Ile3030Thr; replaces isoleucine 3030 with threonine.
Molecular consequence: missense variant.
Genome position (GRCh38, 1-based): chr1:215,844,463, A>G on the plus strand (T>C on the coding strand, the complement: USH2A is on the minus strand). VCF-style: chr1-215844463-A-G. GRCh37 (hg19) VCF-style: chr1-216017805-A-G.
Other names: short protein forms I3030T.
Identifiers: ClinVar variation 229629 (VCV000229629.9), dbSNP rs876658116, ClinGen allele CA10576377.

ClinVar aggregate classification (germline): Uncertain significance. Review status: criteria provided, multiple submitters, no conflicts (2 of 4 stars). 5 submissions from 4 submitters: Uncertain significance (4). 1 of the submissions does not count toward it. Last evaluated 2025-06-16.

Conditions:
Retinitis pigmentosa 39 (RP39). Identifiers: Orphanet 791, MedGen C3151138, MONDO:0013436, OMIM 613809.
Usher syndrome type 2A. Also called: RETINAL DISEASE IN USHER SYNDROME TYPE IIA, MODIFIER OF; USHER SYNDROME, TYPE IIA. Identifiers: Orphanet 231178, Orphanet 886, MedGen C1848634, MONDO:0010169, OMIM 276901.

Allele frequency attached by ClinVar (database versions not stated): gnomAD 0.00002; TOPMed 0.00003.
gnomAD v4.1: 7 of 1,611,774 alleles (0.00043%); highest among the groups gnomAD compares: African/African-American, 0.0067%; no homozygotes.

Submissions (5):

Labcorp Genetics (formerly Invitae), Labcorp
Classification: Uncertain significance. Last evaluated: 2025-06-16. Review status: criteria provided, single submitter. Criteria: Invitae Variant Classification Sherloc (09022015). Collection method: clinical testing. Allele origin: germline.
Comment: This sequence change replaces isoleucine, which is neutral and non-polar, with threonine, which is neutral and polar, at codon 3030 of the USH2A protein (p.Ile3030Thr). This variant is not present in population databases (gnomAD no frequency). This variant has not been reported in the literature in individuals affected with USH2A-related conditions. ClinVar contains an entry for this variant (Variation ID: 229629). Invitae Evidence Modeling of protein sequence and biophysical properties (such as structural, functional, and spatial information, amino acid conservation, physicochemical variation, residue mobility, and thermodynamic stability) indicates that this missense variant is not expected to disrupt USH2A protein function with a negative predictive value of 95%. In summary, the available evidence is currently insufficient to determine the role of this variant in disease. Therefore, it has been classified as a Variant of Uncertain Significance.

Genome-Nilou Lab
Classification: Uncertain significance for Retinitis pigmentosa 39. Last evaluated: 2023-11-04. Review status: criteria provided, single submitter. Criteria: ACMG Guidelines, 2015. Collection method: clinical testing. Allele origin: germline. Affected: no.

Genome-Nilou Lab
Classification: Uncertain significance for Usher syndrome type 2A. Last evaluated: 2023-11-04. Review status: criteria provided, single submitter. Criteria: ACMG Guidelines, 2015. Collection method: clinical testing. Allele origin: germline. Affected: no.

Laboratory for Molecular Medicine, Mass General Brigham Personalized Medicine
Classification: Uncertain significance. Last evaluated: 2015-06-10. Review status: criteria provided, single submitter. Criteria: LMM Criteria. Collection method: clinical testing. Allele origin: germline. Observed: 1 variant allele.
Comment: Variant classified as Uncertain Significance - Favor Benign. The p.Ile3030Thr va riant in USH2A has not been previously reported in individuals with hearing loss or Usher syndrome or in large population studies. Isoleucine (Ile) at position 3030 is not conserved in some mammals and many evolutionarily distant species, w ith 5 fish species having a threonine (Thr) at this position. Computational pred iction tools do not provide strong support for or against an impact to the prote in. In summary, while the clinical significance of the p.Ile3030Thr variant is u ncertain, the lack of evolutionarily conservation suggests that it is more likel y to be benign.

Counsyl
Classification: Uncertain significance for Usher syndrome type 2A; Retinitis pigmentosa 39. Last evaluated: 2018-04-12. Review status: no assertion criteria provided. Collection method: clinical testing. Allele origin: unknown. Not counted in ClinVar's aggregate classification.